The following is an entry in ClinVar:

ClinVar aggregate classification (germline): Pathogenic. Review status: criteria provided, multiple submitters, no conflicts (2 of 4 stars). 3 submissions from 3 submitters: Pathogenic (3). Last evaluated 2025-12-17.

Conditions:
Hereditary cancer-predisposing syndrome. Also called: Tumor predisposition; Hereditary neoplastic syndrome; Hereditary Cancer Syndrome; Neoplastic Syndromes, Hereditary. Identifiers: Orphanet 140162, MedGen C0027672, MeSH D009386, MONDO:0015356.
Bloom syndrome (BLM). Also called: Bloom-Torre-Machacek syndrome. Identifiers: Orphanet 125, MedGen C0005859, MONDO:0008876, OMIM 210900.

Allele frequency attached by ClinVar (database versions not stated): gnomAD exomes below 0.00001.

Submissions (3):

Myriad Genetics, Inc.
Classification: Pathogenic for Bloom syndrome. Last evaluated: 2025-12-17. Review status: criteria provided, single submitter. Criteria: Myriad Autosomal Dominant, Autosomal Recessive and X-Linked Classification Criteria (2023). Collection method: clinical testing. Allele origin: unknown.
Comment: NM_000057.3(BLM):c.2781delA(D928Mfs*34) is a frameshift variant classified as pathogenic in the context of Bloom syndrome. D928Mfs*34 has not been observed in cases with relevant disease. Relevant functional assessments of this variant are not available in the literature. D928Mfs*34 has not been observed in referenced population frequency databases. In summary, NM_000057.3(BLM):c.2781delA(D928Mfs*34) is a frameshift variant in a gene where loss of function is a known mechanism of disease and is predicted to disrupt protein function. Please note: this variant was assessed in the context of healthy population screening.

Labcorp Genetics (formerly Invitae), Labcorp
Classification: Pathogenic for Bloom syndrome. Last evaluated: 2023-09-23. Review status: criteria provided, single submitter. Criteria: Invitae Variant Classification Sherloc (09022015). Collection method: clinical testing. Allele origin: germline.
Comment: This sequence change creates a premature translational stop signal (p.Asp928Metfs*34) in the BLM gene. It is expected to result in an absent or disrupted protein product. Loss-of-function variants in BLM are known to be pathogenic (PMID: 17407155). For these reasons, this variant has been classified as Pathogenic. ClinVar contains an entry for this variant (Variation ID: 1795938). This variant has not been reported in the literature in individuals affected with BLM-related conditions. This variant is not present in population databases (gnomAD no frequency).

Ambry Genetics
Classification: Pathogenic for Hereditary cancer-predisposing syndrome. Last evaluated: 2022-05-13. Review status: criteria provided, single submitter. Criteria: Ambry Variant Classification Scheme 2023. Collection method: clinical testing. Allele origin: germline.
Comment: The c.2781delA pathogenic mutation, located in coding exon 13 of the BLM gene, results from a deletion of one nucleotide at nucleotide position 2781, causing a translational frameshift with a predicted alternate stop codon (p.D928Mfs*34). This variant is considered to be rare based on population cohorts in the Genome Aggregation Database (gnomAD). This alteration is expected to result in loss of function by premature protein truncation or nonsense-mediated mRNA decay. As such, this alteration is interpreted as a disease-causing mutation.

Literature cited by the submitters: PubMed 17407155 (cited by Labcorp Genetics (formerly Invitae), Labcorp).

NM_000057.4(BLM):c.2781del (p.Asp928fs)

Gene: BLM (BLM RecQ like helicase; plus strand). Cytogenetic location: 15q26.1.
Variant type: Deletion.
Coding change: c.2781del on transcript NM_000057.4 (MANE Select); coding-DNA position 2781, one base deleted (A; older notation c.2781delA).
Protein change: p.Asp928fs; shifts the reading frame from aspartic acid 928.
Molecular consequence: frameshift variant.
Genome position (GRCh38, 1-based): chr15:90,785,039, A deleted. VCF-style (leftmost placement, unchanged base first): chr15-90785038-GA-G. GRCh37 (hg19) VCF-style: chr15-91328268-GA-G.
Other names: c.2781del, p.Asp928fs (NM_001287246.2, NM_001287247.2); c.1656del, p.Asp553fs (NM_001287248.2); short protein forms D928fs, D553fs.
Identifiers: ClinVar variation 1795938 (VCV001795938.6), dbSNP rs779027186, ClinGen allele CA274759285.